The following is an entry in ClinVar:

NM_172107.4(KCNQ2):c.686G>T (p.Ser229Ile)

Gene: KCNQ2 (potassium voltage-gated channel subfamily Q member 2; minus strand). Cytogenetic location: 20q13.33.
Variant type: single nucleotide variant.
Coding change: c.686G>T on transcript NM_172107.4 (MANE Select); coding-DNA position 686, G replaced by T.
Protein change: p.Ser229Ile; replaces serine 229 with isoleucine.
Molecular consequence: missense variant.
Genome position (GRCh38, 1-based): chr20:63,444,663, C>A on the plus strand (G>T on the coding strand, the complement: KCNQ2 is on the minus strand). VCF-style: chr20-63444663-C-A. GRCh37 (hg19) VCF-style: chr20-62076016-C-A.
Other names: c.686G>T, p.Ser229Ile (NM_001382235.1, NM_004518.6, NM_172106.3 and 2 more transcripts); c.686G>T (NM_172107.3); short protein forms S229I.
Identifiers: ClinVar variation 1451904 (VCV001451904.10), dbSNP rs2145774465, ClinGen allele CA409654644.

ClinVar aggregate classification (germline): Pathogenic/Likely pathogenic. Review status: criteria provided, multiple submitters, no conflicts (2 of 4 stars). 2 submissions from 2 submitters: Pathogenic (1); Likely pathogenic (1). Last evaluated 2023-12-17.

Conditions:
KCNQ2-Related Disorders. Also called: KCNQ2-related condition; KCNQ2-related disorder. Identifiers: MedGen CN169299.
Early-infantile DEE. Also called: Ohtahara syndrome; Early infantile epileptic encephalopathy; Early infantile epileptic encephalopathy with suppression bursts. Identifiers: Orphanet 1934, MedGen C0393706, MONDO:0800491.

Submissions (2):

Rady Children's Institute for Genomic Medicine, Rady Children's Hospital San Diego
Classification: Likely pathogenic for KCNQ2-Related Disorders. Last evaluated: 2023-12-17. Review status: criteria provided, single submitter. Criteria: ACMG Guidelines, 2015. Collection method: clinical testing. Allele origin: germline. Affected: yes.
Comment: The KCNQ2 gene is highly constrained (Z-score= 4.04 and pLI = 1), which suggests it is intolerant to variation. The c.686G>T (p.Ser229Ile) variant affects a highly conserved amino acid and is predicted by multiple in silico tools to have a deleterious effect on protein function. This variant has not been previously reported or functionally characterized in the literature to our knowledge. The c.686G>T (p.Ser229Ile) variant is absent from the gnomAD population database and thus is presumed to be rare. Analysis of the parental samples was negative for the variant, indicating this variant likely occurred as a de novo event. Based on the available evidence, c.686G>T (p.Ser229Ile) is classified as Likely Pathogenic.

Labcorp Genetics (formerly Invitae), Labcorp
Classification: Pathogenic for Early-infantile DEE. Last evaluated: 2021-06-22. Review status: criteria provided, single submitter. Criteria: Invitae Variant Classification Sherloc (09022015). Collection method: clinical testing. Allele origin: germline.
Comment: For these reasons, this variant has been classified as Pathogenic. Advanced modeling of protein sequence and biophysical properties (such as structural, functional, and spatial information, amino acid conservation, physicochemical variation, residue mobility, and thermodynamic stability) performed at Invitae indicates that this missense variant is expected to disrupt KCNQ2 protein function. This variant has been observed in individual(s) with clinical features of KCNQ2-related conditions (Invitae). In at least one individual the variant was observed to be de novo. This variant is not present in population databases (ExAC no frequency). This sequence change replaces serine with isoleucine at codon 229 of the KCNQ2 protein (p.Ser229Ile). The serine residue is moderately conserved and there is a large physicochemical difference between serine and isoleucine.